The following is an entry in ClinVar:

NM_002834.5(PTPN11):c.104A>T (p.Lys35Ile)

Gene: PTPN11 (protein tyrosine phosphatase non-receptor type 11; plus strand). Cytogenetic location: 12q24.13.
Variant type: single nucleotide variant.
Coding change: c.104A>T on transcript NM_002834.5 (MANE Select); coding-DNA position 104, A replaced by T.
Protein change: p.Lys35Ile; replaces lysine 35 with isoleucine.
Molecular consequence: missense variant.
Genome position (GRCh38, 1-based): chr12:112,446,365, A>T. VCF-style: chr12-112446365-A-T. GRCh37 (hg19) VCF-style: chr12-112884169-A-T.
Other names: c.104A>T, p.Lys35Ile (NM_001330437.2, NM_001374625.1, NM_080601.3); short protein forms K35I.
Identifiers: ClinVar variation 2739660 (VCV002739660.3), dbSNP rs2037994651, ClinGen allele CA386776308.

ClinVar aggregate classification (germline): Uncertain significance (1 of 4 stars; one submission).

Conditions:
RASopathy. Also called: Noonan spectrum disorder; rasopathies. Identifiers: Orphanet 536391, MedGen C5555857, MONDO:0021060.

Allele frequency attached by ClinVar (database versions not stated): gnomAD 0.00001.
gnomAD v4.1: 1 of 1,614,048 alleles (0.000062%); highest among the groups gnomAD compares: Non-Finnish European, 0.000085%; no homozygotes.

Submission:

Labcorp Genetics (formerly Invitae), Labcorp
Classification: Uncertain significance for RASopathy. Last evaluated: 2023-07-09. Review status: criteria provided, single submitter. Criteria: Invitae Variant Classification Sherloc (09022015). Collection method: clinical testing. Allele origin: germline.
Comment: In summary, the available evidence is currently insufficient to determine the role of this variant in disease. Therefore, it has been classified as a Variant of Uncertain Significance. Advanced modeling of protein sequence and biophysical properties (such as structural, functional, and spatial information, amino acid conservation, physicochemical variation, residue mobility, and thermodynamic stability) performed at Invitae indicates that this missense variant is expected to disrupt PTPN11 protein function. This variant has not been reported in the literature in individuals affected with PTPN11-related conditions. This variant is not present in population databases (gnomAD no frequency). This sequence change replaces lysine, which is basic and polar, with isoleucine, which is neutral and non-polar, at codon 35 of the PTPN11 protein (p.Lys35Ile).